The following is an entry in ClinVar:

NM_000535.7(PMS2):c.1808C>T (p.Ser603Phe)

Gene: PMS2 (PMS1 homolog 2, mismatch repair system component; minus strand). Cytogenetic location: 7p22.1.
Variant type: single nucleotide variant.
Coding change: c.1808C>T on transcript NM_000535.7 (MANE Select); coding-DNA position 1808, C replaced by T.
Protein change: p.Ser603Phe; replaces serine 603 with phenylalanine.
Molecular consequence: missense variant. On other transcripts: non-coding transcript variant (1).
Genome position (GRCh38, 1-based): chr7:5,986,957, G>A on the plus strand (C>T on the coding strand, the complement: PMS2 is on the minus strand). VCF-style: chr7-5986957-G-A. GRCh37 (hg19) VCF-style: chr7-6026588-G-A.
Other names: c.1808C>T (NM_000535.5); c.1403C>T, p.Ser468Phe (NM_001322003.2, NM_001322004.2, NM_001322005.2 and 1 more transcripts); c.1652C>T, p.Ser551Phe (NM_001322006.2); c.1490C>T, p.Ser497Phe (NM_001322007.2, NM_001322008.2); c.1247C>T, p.Ser416Phe (NM_001322010.2); c.875C>T, p.Ser292Phe (NM_001322011.2, NM_001322012.2); c.1235C>T, p.Ser412Phe (NM_001322013.2); c.1808C>T, p.Ser603Phe (NM_001322014.2); and 1 more; short protein forms S603F, S292F, S412F, S500F, S416F, S497F, S468F, S551F.
Identifiers: ClinVar variation 630206 (VCV000630206.8), dbSNP rs770841005, ClinGen allele CA045615.

ClinVar aggregate classification (germline): Conflicting classifications of pathogenicity. Review status: criteria provided, conflicting classifications (1 of 4 stars). 3 submissions from 3 submitters: Uncertain significance (2); Likely benign (1). Last evaluated 2025-07-10.

Conditions:
Hereditary cancer-predisposing syndrome. Also called: Neoplastic Syndromes, Hereditary; Tumor predisposition; Hereditary neoplastic syndrome; Hereditary Cancer Syndrome. Identifiers: Orphanet 140162, MedGen C0027672, MeSH D009386, MONDO:0015356.
Hereditary nonpolyposis colorectal neoplasms. Identifiers: MedGen C0009405, MeSH D003123.

Allele frequency attached by ClinVar (database versions not stated): ExAC 0.00001.
gnomAD v4.1: 1 of 1,613,868 alleles (0.000062%); highest among the groups gnomAD compares: South Asian, 0.0011%; no homozygotes.

Submissions (3):

Color Diagnostics, LLC DBA Color Health
Classification: Uncertain significance for Hereditary cancer-predisposing syndrome. Last evaluated: 2025-07-10. Review status: criteria provided, single submitter. Criteria: ACMG Guidelines, 2015. Collection method: clinical testing. Allele origin: germline.
Comment: This missense variant replaces serine with phenylalanine at codon 603 of the PMS2 protein. Computational prediction suggests that this variant may not impact protein structure and function. To our knowledge, functional studies have not been reported for this variant. This variant has not been reported in individuals affected with PMS2-related disorders in the literature. This variant has been identified in 1/251468 chromosomes in the general population by the Genome Aggregation Database (gnomAD). The available evidence is insufficient to determine the role of this variant in disease conclusively. Therefore, this variant is classified as a Variant of Uncertain Significance.

Ambry Genetics
Classification: Likely benign for Hereditary cancer-predisposing syndrome. Last evaluated: 2024-10-17. Review status: criteria provided, single submitter. Criteria: Ambry Variant Classification Scheme 2023. Collection method: clinical testing. Allele origin: germline.

Labcorp Genetics (formerly Invitae), Labcorp
Classification: Uncertain significance for Hereditary nonpolyposis colorectal neoplasms. Last evaluated: 2024-08-07. Review status: criteria provided, single submitter. Criteria: Invitae Variant Classification Sherloc (09022015). Collection method: clinical testing. Allele origin: germline.
Comment: This sequence change replaces serine, which is neutral and polar, with phenylalanine, which is neutral and non-polar, at codon 603 of the PMS2 protein (p.Ser603Phe). This variant is present in population databases (rs770841005, gnomAD 0.003%). This variant has not been reported in the literature in individuals affected with PMS2-related conditions. ClinVar contains an entry for this variant (Variation ID: 630206). Advanced modeling of protein sequence and biophysical properties (such as structural, functional, and spatial information, amino acid conservation, physicochemical variation, residue mobility, and thermodynamic stability) performed at Invitae indicates that this missense variant is not expected to disrupt PMS2 protein function with a negative predictive value of 80%. In summary, the available evidence is currently insufficient to determine the role of this variant in disease. Therefore, it has been classified as a Variant of Uncertain Significance.